The following is an entry in ClinVar:

ClinVar aggregate classification (germline): Benign/Likely benign. Review status: criteria provided, multiple submitters, no conflicts (2 of 4 stars). 2 submissions from 2 submitters: Benign (1); Likely benign (1). Last evaluated 2025-02-14.

Conditions:
Fanconi anemia complementation group O. Also called: RAD51C-Related Fanconi Anemia. Identifiers: Orphanet 84, MedGen C3150653, MONDO:0013248, OMIM 613390.
Breast-ovarian cancer, familial, susceptibility to, 3. Also called: RAD51C-Related Breast/Ovarian Cancer. Identifiers: Orphanet 145, MedGen C3150659, MONDO:0013253, OMIM 613399.

Submissions (2):

Myriad Genetics, Inc.
Classification: Benign for Breast-ovarian cancer, familial, susceptibility to, 3. Last evaluated: 2025-02-14. Review status: criteria provided, single submitter. Criteria: Myriad Autosomal Dominant, Autosomal Recessive and X-Linked Classification Criteria (2023). Collection method: clinical testing. Allele origin: unknown.
Comment: This variant is considered benign. This variant is a silent/synonymous amino acid change and it is not expected to impact splicing.

Labcorp Genetics (formerly Invitae), Labcorp
Classification: Likely benign for Fanconi anemia complementation group O. Last evaluated: 2023-06-14. Review status: criteria provided, single submitter. Criteria: Invitae Variant Classification Sherloc (09022015). Collection method: clinical testing. Allele origin: germline.

NM_058216.3(RAD51C):c.303C>A (p.Ile101=)

Gene: RAD51C (RAD51 paralog C; plus strand). Cytogenetic location: 17q22.
Variant type: single nucleotide variant.
Coding change: c.303C>A on transcript NM_058216.3 (MANE Select); coding-DNA position 303, C replaced by A.
Protein change: p.Ile101=; no amino-acid change (isoleucine 101 retained).
Molecular consequence: synonymous variant. On other transcripts: non-coding transcript variant (2).
Genome position (GRCh38, 1-based): chr17:58,695,088, C>A. VCF-style: chr17-58695088-C-A. GRCh37 (hg19) VCF-style: chr17-56772449-C-A.
Other names: c.303C>A, p.Ile101= (NM_002876.4, NM_058217.1).
Identifiers: ClinVar variation 2802080 (VCV002802080.4), dbSNP rs751840489, ClinGen allele CA501074666.